The following is an entry in ClinVar:

NM_005050.4(ABCD4):c.1265A>G (p.Asn422Ser)

Gene: ABCD4 (ATP binding cassette subfamily D member 4; minus strand). Cytogenetic location: 14q24.3.
Variant type: single nucleotide variant.
Coding change: c.1265A>G on transcript NM_005050.4 (MANE Select); coding-DNA position 1265, A replaced by G.
Protein change: p.Asn422Ser; replaces asparagine 422 with serine.
Molecular consequence: missense variant. On other transcripts: non-coding transcript variant (10).
Genome position (GRCh38, 1-based): chr14:74,290,353, T>C on the plus strand (A>G on the coding strand, the complement: ABCD4 is on the minus strand). VCF-style: chr14-74290353-T-C. GRCh37 (hg19) VCF-style: chr14-74757056-T-C.
Other names: c.1139A>G, p.Asn380Ser (NM_001353591.2, NM_001353592.2); c.1004A>G, p.Asn335Ser (NM_001353593.2); c.953A>G, p.Asn318Ser (NM_001353594.2); c.851A>G, p.Asn284Ser (NM_001353595.2, NM_001353596.2); c.800A>G, p.Asn267Ser (NM_001353597.2); c.788A>G, p.Asn263Ser (NM_001353598.2, NM_001353599.2, NM_001353600.2 and 2 more transcripts); c.476A>G, p.Asn159Ser (NM_001353602.2, NM_001353603.2, NM_001353604.2 and 6 more transcripts); c.1136A>G, p.Asn379Ser (NM_020323.1); and 1 more; short protein forms N159S, N284S, N335S, N380S, N422S, N318S, N263S, N267S.
Identifiers: ClinVar variation 1992231 (VCV001992231.2), dbSNP rs2505329984, ClinGen allele CA390381411.

ClinVar aggregate classification (germline): Uncertain significance (1 of 4 stars; one submission).

Conditions:
Methylmalonic acidemia with homocystinuria, type cblJ (MAHCJ). Also called: METHYLMALONIC ACIDURIA AND HOMOCYSTINURIA, cblJ TYPE. Identifiers: Orphanet 369955, MedGen C3553915, MONDO:0013925, OMIM 614857.

Allele frequency attached by ClinVar (database versions not stated): gnomAD exomes below 0.00001.
gnomAD v4.1: 6 of 1,614,176 alleles (0.00037%); highest among the groups gnomAD compares: Non-Finnish European, 0.00034%; no homozygotes.

Submission:

Labcorp Genetics (formerly Invitae), Labcorp
Classification: Uncertain significance for Methylmalonic acidemia with homocystinuria, type cblJ. Last evaluated: 2023-11-27. Review status: criteria provided, single submitter. Criteria: Invitae Variant Classification Sherloc (09022015). Collection method: clinical testing. Allele origin: germline.
Comment: This sequence change replaces asparagine, which is neutral and polar, with serine, which is neutral and polar, at codon 422 of the ABCD4 protein (p.Asn422Ser). This variant is not present in population databases (gnomAD no frequency). This variant has not been reported in the literature in individuals affected with ABCD4-related conditions. ClinVar contains an entry for this variant (Variation ID: 1992231). Advanced modeling of protein sequence and biophysical properties (such as structural, functional, and spatial information, amino acid conservation, physicochemical variation, residue mobility, and thermodynamic stability) performed at Invitae indicates that this missense variant is not expected to disrupt ABCD4 protein function with a negative predictive value of 95%. In summary, the available evidence is currently insufficient to determine the role of this variant in disease. Therefore, it has been classified as a Variant of Uncertain Significance.